The following is an entry in ClinVar:

ClinVar aggregate classification (germline): Likely risk allele (0 of 4 stars; one submission).

Conditions:
Pulmonary fibrosis. Identifiers: MedGen C0034069, MONDO:0002771, HP:0002206.

Submission:

Garcia Pulmonary Genetics Research Laboratory, Columbia University Irving Medical Center
Classification: Likely risk allele for Pulmonary fibrosis. Last evaluated: 2022-06-09. Review status: no assertion criteria provided. Collection method: research. Allele origin: germline. Affected: yes.
Comment: Leukocyte telomere length (by qPCR) less than 10th percentile age-adjusted

NM_198253.3(TERT):c.2647T>A (p.Phe883Ile)

Gene: TERT (telomerase reverse transcriptase; minus strand). Cytogenetic location: 5p15.33.
Variant type: single nucleotide variant.
Coding change: c.2647T>A on transcript NM_198253.3 (MANE Select); coding-DNA position 2647, T replaced by A.
Protein change: p.Phe883Ile; replaces phenylalanine 883 with isoleucine.
Molecular consequence: missense variant. On other transcripts: non-coding transcript variant (2).
Genome position (GRCh38, 1-based): chr5:1,266,471, A>T on the plus strand (T>A on the coding strand, the complement: TERT is on the minus strand). VCF-style: chr5-1266471-A-T. GRCh37 (hg19) VCF-style: chr5-1266586-A-T.
Other names: p.Phe883Ile; c.2647T>A, p.Phe883Ile (NM_001193376.3); short protein forms F883I.
Identifiers: ClinVar variation 1695946 (VCV001695946.1), dbSNP rs1403852124, ClinGen allele CA359073113.